The following is an entry in ClinVar:

ClinVar aggregate classification (germline): Uncertain significance. Review status: criteria provided, multiple submitters, no conflicts (2 of 4 stars). 3 submissions from 3 submitters: Uncertain significance (3). Last evaluated 2025-07-03.

Conditions:
FMN1-related disorder. Also called: FMN1-related condition.

Allele frequency attached by ClinVar (database versions not stated): gnomAD 0.00006; ExAC 0.00007; TOPMed 0.00007; gnomAD exomes 0.00010.
gnomAD v4.1: 150 of 1,611,920 alleles (0.0093%); highest among the groups gnomAD compares: Non-Finnish European, 0.012%; no homozygotes.

Submissions (3):

PreventionGenetics, part of Exact Sciences
Classification: Uncertain significance for FMN1-related condition. Last evaluated: 2025-07-03. Review status: criteria provided, single submitter. Criteria: ACMG Guidelines, 2015. Collection method: clinical testing. Allele origin: germline.
Comment: The FMN1 c.2369G>A variant is predicted to result in the amino acid substitution p.Arg790Gln. To our knowledge, this variant has not been reported in the literature. This variant is reported in 0.029% of alleles in individuals of Ashkenazi Jewish descent in gnomAD. Although we suspect that this variant may be benign, at this time, the clinical significance of this variant is uncertain due to the absence of conclusive functional and genetic evidence.

Labcorp Genetics (formerly Invitae), Labcorp
Classification: Uncertain significance. Last evaluated: 2025-06-12. Review status: criteria provided, single submitter. Criteria: Invitae Variant Classification Sherloc (09022015). Collection method: clinical testing. Allele origin: germline.
Comment: This sequence change replaces arginine, which is basic and polar, with glutamine, which is neutral and polar, at codon 790 of the FMN1 protein (p.Arg790Gln). This variant is present in population databases (rs753892267, gnomAD 0.02%). This variant has not been reported in the literature in individuals affected with FMN1-related conditions. ClinVar contains an entry for this variant (Variation ID: 3095801). An algorithm developed to predict the effect of missense changes on protein structure and function outputs the following: PolyPhen-2: "Benign". The glutamine amino acid residue is found in multiple mammalian species, which suggests that this missense change does not adversely affect protein function. In summary, the available evidence is currently insufficient to determine the role of this variant in disease. Therefore, it has been classified as a Variant of Uncertain Significance.

Ambry Genetics
Classification: Uncertain significance. Last evaluated: 2024-01-03. Review status: criteria provided, single submitter. Criteria: Ambry Variant Classification Scheme 2023. Collection method: clinical testing. Allele origin: germline.

NM_001277313.2(FMN1):c.3038G>A (p.Arg1013Gln)

Gene: FMN1 (formin 1; minus strand). Cytogenetic location: 15q13.3.
Variant type: single nucleotide variant.
Coding change: c.3038G>A on transcript NM_001277313.2 (MANE Select); coding-DNA position 3038, G replaced by A.
Protein change: p.Arg1013Gln; replaces arginine 1013 with glutamine.
Molecular consequence: missense variant.
Genome position (GRCh38, 1-based): chr15:32,964,207, C>T on the plus strand (G>A on the coding strand, the complement: FMN1 is on the minus strand). VCF-style: chr15-32964207-C-T. GRCh37 (hg19) VCF-style: chr15-33256408-C-T.
Other names: c.2369G>A, p.Arg790Gln (NM_001103184.4); c.2369G>A (NM_001103184.3); short protein forms R1013Q, R790Q.
Identifiers: ClinVar variation 3095801 (VCV003095801.4), dbSNP rs753892267, ClinGen allele CA7456783.
Genomic context (GRCh38, chr15:32,964,207, plus strand): 5'-GGTTTTTTCTTCTGTTGAGTTGTGTCTTTGGAGAATAAATACTCAAATTCACTGGGGTCC[C>T]GAATGTCAGGTTCTTCTAAGGAGTCCCATAAGGTTGGTGTAGCATTTTGGCTTAAAAGAG-3'
Protein context (NP_001264242.1, residues 1003-1023): LWDSLEEPDI[Arg1013Gln]DPSEFEYLFS